The following is an entry in ClinVar:

ClinVar aggregate classification (germline): Conflicting classifications of pathogenicity. Review status: criteria provided, conflicting classifications (1 of 4 stars). 2 submissions from 2 submitters: Uncertain significance (1); Likely benign (1). Last evaluated 2019-10-25.

Conditions:
Hereditary sensory and autonomic neuropathy type 1 (HSAN1). Also called: Hereditary Sensory Neuropathy Type I; HSAN 1; HSN Type I. Identifiers: Orphanet 36386, MedGen C0020071, MONDO:0018213.
Neuropathy, hereditary sensory and autonomic, type 1A (HSAN1A). Also called: HSAN IA; HSN IA; NEUROPATHY, HEREDITARY SENSORY RADICULAR, AUTOSOMAL DOMINANT, TYPE 1A; SPTLC1-Related Hereditary Sensory Neuropathy; NEUROPATHY, HEREDITARY SENSORY AND AUTONOMIC, TYPE IA. Identifiers: MedGen C5235211, MONDO:0008086, OMIM 162400.

Allele frequency attached by ClinVar (database versions not stated): ExAC 0.00002; gnomAD 0.00003; TOPMed 0.00005.
gnomAD v4.1: 11 of 1,614,000 alleles (0.00068%); highest among the groups gnomAD compares: African/African-American, 0.0067%; no homozygotes.

Submissions (2):

Labcorp Genetics (formerly Invitae), Labcorp
Classification: Uncertain significance for Hereditary sensory and autonomic neuropathy type 1. Last evaluated: 2019-10-25. Review status: criteria provided, single submitter. Criteria: Invitae Variant Classification Sherloc (09022015). Collection method: clinical testing. Allele origin: germline.
Comment: This sequence change replaces methionine with valine at codon 214 of the SPTLC1 protein (p.Met214Val). The methionine residue is moderately conserved and there is a small physicochemical difference between methionine and valine. This variant is present in population databases (rs781435924, ExAC 0.02%). This variant has not been reported in the literature in individuals with SPTLC1-related conditions. ClinVar contains an entry for this variant (Variation ID: 367549). Algorithms developed to predict the effect of missense changes on protein structure and function output the following: SIFT: "Tolerated"; PolyPhen-2: "Benign"; Align-GVGD: "Class C0". The valine amino acid residue is found in multiple mammalian species, suggesting that this missense change does not adversely affect protein function. These predictions have not been confirmed by published functional studies and their clinical significance is uncertain. In summary, the available evidence is currently insufficient to determine the role of this variant in disease. Therefore, it has been classified as a Variant of Uncertain Significance.

Illumina Laboratory Services, Illumina
Classification: Likely benign for Neuropathy, hereditary sensory and autonomic, type 1A. Last evaluated: 2018-01-13. Review status: criteria provided, single submitter. Criteria: ICSL Variant Classification Criteria 13 December 2019. Collection method: clinical testing. Allele origin: germline.
Comment: This variant was observed in the ICSL laboratory as part of a predisposition screen in an ostensibly healthy population. It had not been previously curated by ICSL or reported in the Human Gene Mutation Database (HGMD: prior to June 1st, 2018), and was therefore a candidate for classification through an automated scoring system. Utilizing variant allele frequency, disease prevalence and penetrance estimates, and inheritance mode, an automated score was calculated to assess if this variant is too frequent to cause the disease. Based on the score and internal cut-off values, a variant classified as likely benign is not then subjected to further curation. The score for this variant resulted in a classification of likely benign for this disease.

NM_006415.4(SPTLC1):c.640A>G (p.Met214Val)

Gene: SPTLC1 (serine palmitoyltransferase long chain base subunit 1; minus strand). Cytogenetic location: 9q22.31.
Variant type: single nucleotide variant.
Coding change: c.640A>G on transcript NM_006415.4 (MANE Select); coding-DNA position 640, A replaced by G.
Protein change: p.Met214Val; replaces methionine 214 with valine.
Molecular consequence: missense variant.
Genome position (GRCh38, 1-based): chr9:92,059,229, T>C on the plus strand (A>G on the coding strand, the complement: SPTLC1 is on the minus strand). VCF-style: chr9-92059229-T-C. GRCh37 (hg19) VCF-style: chr9-94821511-T-C.
Other names: c.640A>G, p.Met214Val (NM_001281303.2); c.274A>G, p.Met92Val (NM_001368272.1); c.175A>G, p.Met59Val (NM_001368273.1); short protein forms M214V, M59V, M92V.
Identifiers: ClinVar variation 367549 (VCV000367549.15), dbSNP rs781435924, ClinGen allele CA5121490.
Genomic context (GRCh38, chr9:92,059,229, plus strand): 5'-AGAATCATACCTTTTGATCTTCGATCTCTTGTTCTTTTAGTAGTCGCTCGAGGTCAGCCA[T>C]GTCATTATGCTTAAATAACTTAATGTCACTACGGGATGCCTGTAATCCTTTCTGAATAGC-3'
Protein context (NP_006406.1, residues 204-224): SDIKLFKHND[Met214Val]ADLERLLKEQ